The following is an entry in ClinVar:

NM_001012426.2(FOXP4):c.220_229del (p.Arg74fs)

Gene: FOXP4 (forkhead box P4; plus strand). Cytogenetic location: 6p21.1.
Variant type: Deletion.
Coding change: c.220_229del on transcript NM_001012426.2 (MANE Select); coding-DNA positions 220 to 229, 10 bases deleted (CGGCAGTTCC; older notation c.220_229delCGGCAGTTCC).
Protein change: p.Arg74fs; shifts the reading frame from arginine 74.
Molecular consequence: frameshift variant. On other transcripts: intron variant (2).
Genome position (GRCh38, 1-based): chr6:41,578,001-41,578,010, CGGCAGTTCC deleted; deleting any 10 consecutive bases within chr6:41,577,999-41,578,010 gives the same sequence; the c. name uses the placement nearest the transcript's 3' end. VCF-style (leftmost placement, unchanged base first): chr6-41577998-GCCCGGCAGTT-G. GRCh37 (hg19) VCF-style: chr6-41545736-GCCCGGCAGTT-G.
Other names: c.220_229del, p.Arg74fs (NM_001012427.2, NM_001405824.1, NM_138457.3); c.205-6768_205-6759del (NM_001405825.1, NM_001405826.1); short protein forms R74fs.
Identifiers: ClinVar variation 4886365 (VCV004886365.2).

ClinVar aggregate classification (germline): Uncertain significance (1 of 4 stars; one submission).

Submission:

Dasa
Classification: Uncertain significance. Last evaluated: 2025-10-29. Review status: criteria provided, single submitter. Criteria: DASA Assertion Criteria. Collection method: clinical testing. Allele origin: germline.
Comment: NM_001012426.2(FOXP4):c.220_229del (p.Arg74Cysfs*8) is a frameshift variant in FOXP4 predicted to alter the reading frame and introduce a premature termination codon. Published studies describe this variant in association with related phenotype (PMID: 33110267; PMID: 27435318). Also, this variant is absent from population databases. The currently available literature and clinical evidence are not sufficient to establish a definitive association between this variant and the reported condition. Therefore, this variant is classified as a variant of uncertain significance.

Literature cited by the submitters: PubMed 33110267; PubMed 27435318.